The following is an entry in ClinVar:

ClinVar aggregate classification (germline): Pathogenic (1 of 4 stars; one submission).

Submission:

Labcorp Genetics (formerly Invitae), Labcorp
Classification: Pathogenic. Last evaluated: 2023-09-04. Review status: criteria provided, single submitter. Criteria: Invitae Variant Classification Sherloc (09022015). Collection method: clinical testing. Allele origin: germline.
Comment: This variant is present in population databases (no rsID available, gnomAD 0.0009%). This variant has not been reported in the literature in individuals affected with VPS13C-related conditions. For these reasons, this variant has been classified as Pathogenic. This sequence change creates a premature translational stop signal (p.Lys155Serfs*36) in the VPS13C gene. It is expected to result in an absent or disrupted protein product. Loss-of-function variants in VPS13C are known to be pathogenic (PMID: 26942284, 34875562).

Literature cited by the submitters: PubMed 26942284; PubMed 34875562.

NM_020821.3(VPS13C):c.464del (p.Lys155fs)

Gene: VPS13C (vacuolar protein sorting 13 homolog C; minus strand). Cytogenetic location: 15q22.2.
Variant type: Deletion.
Coding change: c.464del on transcript NM_020821.3 (MANE Select); coding-DNA position 464, one base deleted (A; older notation c.464delA).
Protein change: p.Lys155fs; shifts the reading frame from lysine 155.
Molecular consequence: frameshift variant. On other transcripts: intron variant (2).
Genome position (GRCh38, 1-based): chr15:62,023,830, T deleted on the plus strand (A on the coding strand, the reverse complement: VPS13C is on the minus strand); the first of 5 consecutive T bases (chr15:62,023,830-62,023,834); deleting any one gives the same sequence. VCF-style (leftmost placement, unchanged base first): chr15-62023829-CT-C. GRCh37 (hg19) VCF-style: chr15-62316028-CT-C.
Other names: c.464del, p.Lys155fs (NM_001018088.3); c.386-310del (NM_017684.5, NM_018080.4); short protein forms K155fs.
Identifiers: ClinVar variation 2724228 (VCV002724228.3), dbSNP rs1456557102, ClinGen allele CA618525694.